The following is an entry in ClinVar:

ClinVar aggregate classification (germline): Pathogenic/Likely pathogenic. Review status: criteria provided, multiple submitters, no conflicts (2 of 4 stars). 4 submissions from 4 submitters: Pathogenic (2); Likely pathogenic (2). Last evaluated 2025-03-03.

Conditions:
Fanconi anemia complementation group I (FANCI). Also called: FANCI-Related Fanconi Anemia. Identifiers: Orphanet 84, MedGen C1836861, MONDO:0012186, OMIM 609053.
Fanconi anemia (FA). Also called: Fanconi's anemia. Identifiers: Orphanet 84, MedGen C0015625, MeSH D005199, MONDO:0019391.

Allele frequency attached by ClinVar (database versions not stated): gnomAD exomes below 0.00001 and 0.00001; ExAC 0.00001; gnomAD 0.00001; TOPMed 0.00001.

Submissions (4):

Women's Health and Genetics/Laboratory Corporation of America, LabCorp
Classification: Pathogenic for Fanconi anemia. Last evaluated: 2025-03-03. Review status: criteria provided, single submitter. Criteria: LabCorp Variant Classification Summary - May 2015. Collection method: clinical testing. Allele origin: germline.
Comment: Variant summary: FANCI c.3623dupT (p.Cys1209ValfsX11) results in a premature termination codon, predicted to cause a truncation of the encoded protein or absence of the protein due to nonsense mediated decay, which are commonly known mechanisms for disease. The variant allele was found at a frequency of 4e-06 in 251472 control chromosomes. To our knowledge, no occurrence of c.3623dupT in individuals affected with Fanconi Anemia and no experimental evidence demonstrating its impact on protein function have been reported. ClinVar contains an entry for this variant (Variation ID: 1451296). Based on the evidence outlined above, the variant was classified as pathogenic.

Labcorp Genetics (formerly Invitae), Labcorp
Classification: Pathogenic for Fanconi anemia. Last evaluated: 2024-03-21. Review status: criteria provided, single submitter. Criteria: Invitae Variant Classification Sherloc (09022015). Collection method: clinical testing. Allele origin: germline.
Comment: This sequence change creates a premature translational stop signal (p.Cys1209Valfs*11) in the FANCI gene. It is expected to result in an absent or disrupted protein product. Loss-of-function variants in FANCI are known to be pathogenic (PMID: 17452773, 17460694). This variant is present in population databases (rs756691827, gnomAD 0.002%). This variant has not been reported in the literature in individuals affected with FANCI-related conditions. ClinVar contains an entry for this variant (Variation ID: 1451296). Algorithms developed to predict the effect of sequence changes on RNA splicing suggest that this variant may disrupt the consensus splice site. For these reasons, this variant has been classified as Pathogenic.

GeneDx
Classification: Likely pathogenic. Last evaluated: 2024-01-23. Review status: criteria provided, single submitter. Criteria: GeneDx Variant Classification Process June 2021. Collection method: clinical testing. Allele origin: germline. Affected: yes.
Comment: Frameshift variant predicted to result in protein truncation or nonsense mediated decay in a gene for which loss of function is a known mechanism of disease; Not observed at significant frequency in large population cohorts (gnomAD); Observed in an individual with lung cancer (PMID: 36451132); This variant is associated with the following publications: (PMID: 36451132)

Baylor Genetics
Classification: Likely pathogenic for Fanconi anemia complementation group I. Last evaluated: 2023-01-12. Review status: criteria provided, single submitter. Criteria: ACMG Guidelines, 2015. Collection method: clinical testing. Allele origin: unknown.

Literature cited by the submitters: PubMed 17452773 (cited by Labcorp Genetics (formerly Invitae), Labcorp); PubMed 17460694 (cited by Labcorp Genetics (formerly Invitae), Labcorp).

NM_001113378.2(FANCI):c.3623dup (p.Cys1209fs)

Gene: FANCI (FA complementation group I; plus strand). Cytogenetic location: 15q26.1.
Variant type: Duplication.
Coding change: c.3623dup on transcript NM_001113378.2 (MANE Select); coding-DNA position 3623, one base duplicated (T; older notation c.3623dupT).
Protein change: p.Cys1209fs; shifts the reading frame from cysteine 1209.
Molecular consequence: frameshift variant.
Genome position (GRCh38, 1-based): chr15:89,307,644, T duplicated. VCF-style (leftmost placement, unchanged base first): chr15-89307643-C-CT. GRCh37 (hg19) VCF-style: chr15-89850874-C-CT.
Other names: c.3344dup, p.Cys1116fs (NM_001376910.1); c.3623dup, p.Cys1209fs (NM_001376911.1); c.3443dup, p.Cys1149fs (NM_018193.3); c.3623dup (NM_001113378.1); c.3623dupT (NM_001113378.2); short protein forms C1149fs, C1209fs, C1116fs.
Identifiers: ClinVar variation 1451296 (VCV001451296.9), dbSNP rs756691827, ClinGen allele CA7723792.